The following is an entry in ClinVar:

NM_001710.6(CFB):c.1481C>A (p.Pro494Gln)

Gene: CFB (complement factor B; plus strand). Cytogenetic location: 6p21.33.
Variant type: single nucleotide variant.
Coding change: c.1481C>A on transcript NM_001710.6 (MANE Select); coding-DNA position 1481, C replaced by A.
Protein change: p.Pro494Gln; replaces proline 494 with glutamine.
Molecular consequence: missense variant.
Genome position (GRCh38, 1-based): chr6:31,950,122, C>A. VCF-style: chr6-31950122-C-A. GRCh37 (hg19) VCF-style: chr6-31917899-C-A.
Other names: short protein forms P494Q.
Identifiers: ClinVar variation 1485694 (VCV001485694.8), dbSNP rs1345466404, ClinGen allele CA363405634.

ClinVar aggregate classification (germline): Uncertain significance (1 of 4 stars; one submission).

Allele frequency attached by ClinVar (database versions not stated): gnomAD exomes below 0.00001.
gnomAD v4.1: 3 of 1,613,092 alleles (0.00019%); highest among the groups gnomAD compares: Non-Finnish European, 0.00025%; no homozygotes.

Submission:

Labcorp Genetics (formerly Invitae), Labcorp
Classification: Uncertain significance. Last evaluated: 2023-12-11. Review status: criteria provided, single submitter. Criteria: Invitae Variant Classification Sherloc (09022015). Collection method: clinical testing. Allele origin: germline.
Comment: This sequence change replaces proline, which is neutral and non-polar, with glutamine, which is neutral and polar, at codon 494 of the CFB protein (p.Pro494Gln). This variant is present in population databases (no rsID available, gnomAD 0.0009%). This variant has not been reported in the literature in individuals affected with CFB-related conditions. ClinVar contains an entry for this variant (Variation ID: 1485694). Advanced modeling of protein sequence and biophysical properties (such as structural, functional, and spatial information, amino acid conservation, physicochemical variation, residue mobility, and thermodynamic stability) performed at Invitae indicates that this missense variant is expected to disrupt CFB protein function with a positive predictive value of 80%. In summary, the available evidence is currently insufficient to determine the role of this variant in disease. Therefore, it has been classified as a Variant of Uncertain Significance.